The following is an entry in ClinVar:

NM_000038.6(APC):c.296G>A (p.Arg99Gln)

Gene: APC (APC regulator of Wnt signaling pathway; plus strand). Cytogenetic location: 5q22.2.
Variant type: single nucleotide variant.
Coding change: c.296G>A on transcript NM_000038.6 (MANE Select); coding-DNA position 296, G replaced by A.
Protein change: p.Arg99Gln; replaces arginine 99 with glutamine.
Molecular consequence: missense variant. On other transcripts: 5 prime UTR variant (1).
Genome position (GRCh38, 1-based): chr5:112,767,264, G>A. VCF-style: chr5-112767264-G-A. GRCh37 (hg19) VCF-style: chr5-112102961-G-A.
Other names: p.R99Q:CGG>CAG; c.296G>A, p.Arg99Gln (NM_001127510.3, NM_001354895.2, NM_001354896.2 and 2 more transcripts); c.326G>A, p.Arg109Gln (NM_001127511.3, NM_001354897.2, NM_001354902.2); c.221G>A, p.Arg74Gln (NM_001354898.2, NM_001354904.2); c.119G>A, p.Arg40Gln (NM_001354900.2, NM_001354901.2, NM_001354905.2); c.-740G>A (NM_001354906.2); short protein forms R109Q, R99Q, R40Q, R74Q.
Identifiers: ClinVar variation 181832 (VCV000181832.82), dbSNP rs199842850, ClinGen allele CA007959.

ClinVar aggregate classification (germline): Conflicting classifications of pathogenicity. Review status: criteria provided, conflicting classifications (1 of 4 stars). 13 submissions from 13 submitters: Uncertain significance (10); Likely benign (2). 1 of the submissions does not count toward it. Last evaluated 2026-01-19.

Conditions:
Classic or attenuated familial adenomatous polyposis. Identifiers: MedGen CN372698, MONDO:0021057.
Hereditary cancer-predisposing syndrome. Also called: Tumor predisposition; Neoplastic Syndromes, Hereditary; Hereditary Cancer Syndrome; Hereditary neoplastic syndrome. Identifiers: Orphanet 140162, MedGen C0027672, MeSH D009386, MONDO:0015356.
Familial adenomatous polyposis 1 (FAP1). Also called: POLYPOSIS, ADENOMATOUS INTESTINAL; FAMILIAL ADENOMATOUS POLYPOSIS 1, ATTENUATED. Identifiers: MedGen C2713442, MONDO:0021056, OMIM 175100. Disease mechanism: loss of function.

Allele frequency attached by ClinVar (database versions not stated): gnomAD exomes below 0.00001; ExAC 0.00002; TOPMed 0.00002; gnomAD 0.00003; 1000 Genomes Project 0.00020; 1000 Genomes Project 30x 0.00031.

Submissions (13):

Labcorp Genetics (formerly Invitae), Labcorp
Classification: Uncertain significance for Familial adenomatous polyposis 1. Last evaluated: 2026-01-19. Review status: criteria provided, single submitter. Criteria: Invitae Variant Classification Sherloc (09022015). Collection method: clinical testing. Allele origin: germline.
Comment: This sequence change replaces arginine, which is basic and polar, with glutamine, which is neutral and polar, at codon 99 of the APC protein (p.Arg99Gln). This variant is present in population databases (rs199842850, gnomAD 0.02%). This variant has not been reported in the literature in individuals affected with APC-related conditions. ClinVar contains an entry for this variant (Variation ID: 181832). Invitae Evidence Modeling of protein sequence and biophysical properties (such as structural, functional, and spatial information, amino acid conservation, physicochemical variation, residue mobility, and thermodynamic stability) indicates that this missense variant is not expected to disrupt APC protein function with a negative predictive value of 95%. In summary, the available evidence is currently insufficient to determine the role of this variant in disease. Therefore, it has been classified as a Variant of Uncertain Significance.

Women's Health and Genetics/Laboratory Corporation of America, LabCorp
Classification: Uncertain significance. Last evaluated: 2025-11-28. Review status: criteria provided, single submitter. Criteria: LabCorp Variant Classification Summary - May 2015. Collection method: clinical testing. Allele origin: germline.
Comment: Variant summary: APC c.296G>A (p.Arg99Gln) results in a conservative amino acid change in the encoded protein sequence. Algorithms developed to predict the effect of missense changes on protein structure and function are either unavailable or do not agree on the potential impact of this missense change. The variant allele was found at a frequency of 1.6e-05 in 251460 control chromosomes. The available data on variant occurrences in the general population are insufficient to allow any conclusion about variant significance. To our knowledge, no occurrence of c.296G>A in individuals affected with APC-related conditions and no experimental evidence demonstrating its impact on protein function have been reported. ClinVar contains an entry for this variant (Variation ID: 181832). Based on the evidence outlined above, the variant was classified as uncertain significance.

CeGaT Center for Human Genetics Tuebingen
Classification: Uncertain significance. Last evaluated: 2025-11-01. Review status: criteria provided, single submitter. Criteria: CeGaT Center For Human Genetics Tuebingen Variant Classification Criteria Version 2. Collection method: clinical testing. Allele origin: germline. Affected: yes. Observed: 3 variant alleles.
Comment: APC: PM2, BP1

Quest Diagnostics Nichols Institute San Juan Capistrano
Classification: Uncertain significance. Last evaluated: 2025-05-16. Review status: criteria provided, single submitter. Criteria: Quest Diagnostics criteria. Collection method: clinical testing. Allele origin: unknown.
Comment: The APC c.296G>A (p.Arg99Gln) variant has not been reported in individuals with APC-related conditions in the published literature. The frequency of this variant in the general population (Genome Aggregation Database) is higher than would generally be expected for pathogenic variants in this gene. Analysis of this variant using bioinformatics tools for the prediction of the effect of amino acid changes on protein structure and function yielded conflicting predictions that this variant is benign or damaging. Based on the available information, we are unable to determine the clinical significance of this variant.

Color Diagnostics, LLC DBA Color Health
Classification: Likely benign for Hereditary cancer-predisposing syndrome. Last evaluated: 2024-11-05. Review status: criteria provided, single submitter. Criteria: ACMG Guidelines, 2015. Collection method: clinical testing. Allele origin: germline.

St. Jude Molecular Pathology, St. Jude Children's Research Hospital
Classification: Uncertain significance for Familial adenomatous polyposis 1. Last evaluated: 2024-08-09. Review status: criteria provided, single submitter. Criteria: St. Jude Assertion Criteria 2020. Collection method: clinical testing. Allele origin: germline.
Comment: The APC c.296G>A (p.Arg99Gln) missense change has a maximum subpopulation frequency of 0.02% in gnomAD v2.1.1. The in silico tool REVEL is inconclusive about a pathogenic or benign effect of this variant on protein function, and to our knowledge functional studies have not been performed. To our knowledge, this variant has not been reported in the literature in individuals with APC-related disease. In summary, the evidence currently available is insufficient to determine the clinical significance of this variant. It has therefore been classified as of uncertain significance.

All of Us Research Program, National Institutes of Health
Classification: Uncertain significance for Classic or attenuated familial adenomatous polyposis. Last evaluated: 2024-02-05. Review status: criteria provided, single submitter. Criteria: ACMG Guidelines, 2015. Collection method: clinical testing. Allele origin: germline. Inheritance: Autosomal dominant inheritance. Observed: 3 variant alleles, 3 heterozygotes.
Comment: This missense variant replaces arginine with glutamine at codon 99 of the APC protein. Computational prediction is inconclusive regarding the impact of this variant on protein structure and function (internally defined REVEL score threshold 0.5 < inconclusive < 0.7, PMID: 27666373). To our knowledge, functional studies have not been reported for this variant. This variant has not been reported in individuals affected with hereditary cancer in the literature. This variant has been identified in 5/282860 chromosomes in the general population by the Genome Aggregation Database (gnomAD). The available evidence is insufficient to determine the role of this variant in disease conclusively. Therefore, this variant is classified as a Variant of Uncertain Significance.

This study involves interpretation of variants in research participants for the purpose of population health screening. Participant phenotype was not available at the time of variant classification. Additional details can be found in publication PMID: 35346344, PMCID: PMC8962531

Baylor Genetics
Classification: Uncertain significance for Familial adenomatous polyposis 1. Last evaluated: 2023-08-23. Review status: criteria provided, single submitter. Criteria: ACMG Guidelines, 2015. Collection method: clinical testing. Allele origin: unknown.

Blueprint Genetics
Classification: Uncertain significance. Last evaluated: 2023-04-26. Review status: criteria provided, single submitter. Criteria: ACMG Guidelines, 2015. Collection method: clinical testing. Allele origin: germline.

Myriad Genetics, Inc.
Classification: Uncertain significance for Familial adenomatous polyposis 1. Last evaluated: 2023-02-17. Review status: criteria provided, single submitter. Criteria: Myriad Autosomal Dominant, Autosomal Recessive and X-Linked Classification Criteria (2023). Collection method: clinical testing. Allele origin: unknown.
Comment: This variant is classified as a variant of uncertain significance as there is insufficient evidence to determine its impact on protein function and/or cancer risk.

GeneDx
Classification: Uncertain significance. Last evaluated: 2023-01-13. Review status: criteria provided, single submitter. Criteria: GeneDx Variant Classification Process June 2021. Collection method: clinical testing. Allele origin: germline. Affected: yes.
Comment: In silico analysis supports that this missense variant does not alter protein structure/function; Has not been previously published as pathogenic or benign to our knowledge

Ambry Genetics
Classification: Likely benign for Hereditary cancer-predisposing syndrome. Last evaluated: 2022-10-13. Review status: criteria provided, single submitter. Criteria: Ambry Variant Classification Scheme 2023. Collection method: clinical testing. Allele origin: germline.

Counsyl
Classification: Uncertain significance for Familial adenomatous polyposis 1. Last evaluated: 2016-11-09. Review status: no assertion criteria provided. Collection method: clinical testing. Allele origin: unknown. Not counted in ClinVar's aggregate classification.